The following is an entry in ClinVar:

NM_001017420.3(ESCO2):c.1132-2A>G

Gene: ESCO2 (establishment of sister chromatid cohesion N-acetyltransferase 2; plus strand). Cytogenetic location: 8p21.1.
Variant type: single nucleotide variant.
Coding change: c.1132-2A>G on transcript NM_001017420.3 (MANE Select); the canonical splice acceptor site of the intron before coding-DNA position 1132, A replaced by G.
Molecular consequence: splice acceptor variant.
Genome position (GRCh38, 1-based): chr8:27,788,845, A>G. VCF-style: chr8-27788845-A-G. GRCh37 (hg19) VCF-style: chr8-27646362-A-G.
Identifiers: ClinVar variation 2828475 (VCV002828475.3), dbSNP rs2486656881, ClinGen allele CA370824025.

ClinVar aggregate classification (germline): Likely pathogenic (1 of 4 stars; one submission).

Submission:

Labcorp Genetics (formerly Invitae), Labcorp
Classification: Likely pathogenic. Last evaluated: 2024-01-17. Review status: criteria provided, single submitter. Criteria: Invitae Variant Classification Sherloc (09022015). Collection method: clinical testing. Allele origin: germline.
Comment: This sequence change affects an acceptor splice site in intron 6 of the ESCO2 gene. It is expected to disrupt RNA splicing. Variants that disrupt the donor or acceptor splice site typically lead to a loss of protein function (PMID: 16199547), and loss-of-function variants in ESCO2 are known to be pathogenic (PMID: 15821733, 16380922). This variant is not present in population databases (gnomAD no frequency). This variant has not been reported in the literature in individuals affected with ESCO2-related conditions. Algorithms developed to predict the effect of sequence changes on RNA splicing suggest that this variant may disrupt the consensus splice site. In summary, the currently available evidence indicates that the variant is pathogenic, but additional data are needed to prove that conclusively. Therefore, this variant has been classified as Likely Pathogenic.

Literature cited by the submitters: PubMed 16199547; PubMed 15821733; PubMed 16380922.